The following is an entry in ClinVar:

NM_002470.4(MYH3):c.2332C>T (p.Arg778Trp)

Gene: MYH3 (myosin heavy chain 3; minus strand). Cytogenetic location: 17p13.1.
Variant type: single nucleotide variant.
Coding change: c.2332C>T on transcript NM_002470.4 (MANE Select); coding-DNA position 2332, C replaced by T.
Protein change: p.Arg778Trp; replaces arginine 778 with tryptophan.
Molecular consequence: missense variant.
Genome position (GRCh38, 1-based): chr17:10,640,427, G>A on the plus strand (C>T on the coding strand, the complement: MYH3 is on the minus strand). VCF-style: chr17-10640427-G-A. GRCh37 (hg19) VCF-style: chr17-10543744-G-A.
Other names: short protein forms R778W.
Identifiers: ClinVar variation 3676832 (VCV003676832.2).

ClinVar aggregate classification (germline): Uncertain significance (1 of 4 stars; one submission).

gnomAD v4.1: 9 of 1,614,086 alleles (0.00056%); highest among the groups gnomAD compares: African/African-American, 0.008%; no homozygotes.

Submission:

Labcorp Genetics (formerly Invitae), Labcorp
Classification: Uncertain significance. Last evaluated: 2024-12-24. Review status: criteria provided, single submitter. Criteria: Invitae Variant Classification Sherloc (09022015). Collection method: clinical testing. Allele origin: germline.
Comment: This sequence change replaces arginine, which is basic and polar, with tryptophan, which is neutral and slightly polar, at codon 778 of the MYH3 protein (p.Arg778Trp). This variant is present in population databases (rs775803901, gnomAD 0.007%). This variant has not been reported in the literature in individuals affected with MYH3-related conditions. Invitae Evidence Modeling of protein sequence and biophysical properties (such as structural, functional, and spatial information, amino acid conservation, physicochemical variation, residue mobility, and thermodynamic stability) indicates that this missense variant is not expected to disrupt MYH3 protein function with a negative predictive value of 95%. In summary, the available evidence is currently insufficient to determine the role of this variant in disease. Therefore, it has been classified as a Variant of Uncertain Significance.